The following is an entry in ClinVar:

NM_020779.4(WDR35):c.3046G>C (p.Ala1016Pro)

Gene: WDR35 (WD repeat domain 35; minus strand). Cytogenetic location: 2p24.1.
Variant type: single nucleotide variant.
Coding change: c.3046G>C on transcript NM_020779.4 (MANE Select); coding-DNA position 3046, G replaced by C.
Protein change: p.Ala1016Pro; replaces alanine 1016 with proline.
Molecular consequence: missense variant.
Genome position (GRCh38, 1-based): chr2:19,930,471, C>G on the plus strand (G>C on the coding strand, the complement: WDR35 is on the minus strand). VCF-style: chr2-19930471-C-G. GRCh37 (hg19) VCF-style: chr2-20130232-C-G.
Other names: c.3079G>C, p.Ala1027Pro (NM_001006657.2); short protein forms A1016P, A1027P.
Identifiers: ClinVar variation 2636456 (VCV002636456.1), dbSNP rs756573277, ClinGen allele CA1542755.

ClinVar aggregate classification (germline): Uncertain significance (1 of 4 stars; one submission).

Conditions:
WDR35-related disorder. Also called: WDR35-related condition; WDR35-related disorders. Identifiers: MedGen CN239419.

Allele frequency attached by ClinVar (database versions not stated): ExAC 0.00001.

Submission:

PreventionGenetics, part of Exact Sciences
Classification: Uncertain significance for WDR35-related condition. Last evaluated: 2022-10-11. Review status: criteria provided, single submitter. Criteria: ACMG Guidelines, 2015. Collection method: clinical testing. Allele origin: germline.
Comment: The WDR35 c.3079G>C variant is predicted to result in the amino acid substitution p.Ala1027Pro. To our knowledge, this variant has not been reported in the literature. This variant is reported in 0.0029% of alleles in individuals of Latino descent in gnomAD. At this time, the clinical significance of this variant is uncertain due to the absence of conclusive functional and genetic evidence.